The following is an entry in ClinVar:

NM_001347721.2(DYRK1A):c.1832G>A (p.Gly611Glu)

Gene: DYRK1A (dual specificity tyrosine phosphorylation regulated kinase 1A; plus strand). Cytogenetic location: 21q22.13.
Variant type: single nucleotide variant.
Coding change: c.1832G>A on transcript NM_001347721.2 (MANE Select); coding-DNA position 1832, G replaced by A.
Protein change: p.Gly611Glu; replaces glycine 611 with glutamic acid.
Molecular consequence: missense variant. On other transcripts: 3 prime UTR variant (2).
Genome position (GRCh38, 1-based): chr21:37,512,098, G>A. VCF-style: chr21-37512098-G-A. GRCh37 (hg19) VCF-style: chr21-38884401-G-A.
Other names: c.1832G>A, p.Gly611Glu (NM_001347722.2, NM_130436.2); c.1745G>A, p.Gly582Glu (NM_001347723.2); c.1859G>A, p.Gly620Glu (NM_001396.5); c.*235G>A (NM_101395.2); c.*144G>A (NM_130438.2); short protein forms G620E, G582E, G611E.
Identifiers: ClinVar variation 2763948 (VCV002763948.3), dbSNP rs1265487026, ClinGen allele CA409939693.

ClinVar aggregate classification (germline): Uncertain significance (1 of 4 stars; one submission).

Conditions:
DYRK1A-related intellectual disability syndrome (MRD7). Also called: Intellectual developmental disorder, autosomal dominant 7; DYRK1A Syndrome. Identifiers: Orphanet 464306, MedGen C5568143, MONDO:0013578, OMIM 614104.

Allele frequency attached by ClinVar (database versions not stated): gnomAD exomes below 0.00001.
gnomAD v4.1: 4 of 1,613,986 alleles (0.00025%); highest among the groups gnomAD compares: Non-Finnish European, 0.00034%; no homozygotes.

Submission:

Labcorp Genetics (formerly Invitae), Labcorp
Classification: Uncertain significance for DYRK1A-related intellectual disability syndrome. Last evaluated: 2025-08-04. Review status: criteria provided, single submitter. Criteria: Invitae Variant Classification Sherloc (09022015). Collection method: clinical testing. Allele origin: germline.
Comment: This sequence change replaces glycine, which is neutral and non-polar, with glutamic acid, which is acidic and polar, at codon 620 of the DYRK1A protein (p.Gly620Glu). This variant is present in population databases (no rsID available, gnomAD 0.0009%). This variant has not been reported in the literature in individuals affected with DYRK1A-related conditions. ClinVar contains an entry for this variant (Variation ID: 2763948). Invitae Evidence Modeling of protein sequence and biophysical properties (such as structural, functional, and spatial information, amino acid conservation, physicochemical variation, residue mobility, and thermodynamic stability) indicates that this missense variant is not expected to disrupt DYRK1A protein function with a negative predictive value of 95%. In summary, the available evidence is currently insufficient to determine the role of this variant in disease. Therefore, it has been classified as a Variant of Uncertain Significance.